The following is an entry in ClinVar:

NM_006514.4(SCN10A):c.5089G>A (p.Val1697Ile)

Gene: SCN10A (sodium voltage-gated channel alpha subunit 10; minus strand). Cytogenetic location: 3p22.2.
Variant type: single nucleotide variant.
Coding change: c.5089G>A on transcript NM_006514.4 (MANE Select); coding-DNA position 5089, G replaced by A.
Protein change: p.Val1697Ile; replaces valine 1697 with isoleucine.
Molecular consequence: missense variant.
Genome position (GRCh38, 1-based): chr3:38,698,131, C>T on the plus strand (G>A on the coding strand, the complement: SCN10A is on the minus strand). VCF-style: chr3-38698131-C-T. GRCh37 (hg19) VCF-style: chr3-38739622-C-T.
Other names: p.Val1697Ile; c.5086G>A, p.Val1696Ile (NM_001293306.2); c.4795G>A, p.Val1599Ile (NM_001293307.2); short protein forms V1697I, V1599I, V1696I.
Identifiers: ClinVar variation 240679 (VCV000240679.47), dbSNP rs77804526, ClinGen allele CA2319736.
Genomic context (GRCh38, chr3:38,698,131, plus strand): 5'-ACATGTTGACCATGATGAGGAAGGAGATGATGATGTAGGTGGTGAAGAAGATGATGCCTA[C>T]GGCTGGGCTCCCACAGTCCCCTCTGGTGCCATTGCTGTTGGGCAGATTGGGGTCACAGTA-3'
Protein context (NP_006505.4, residues 1687-1707): GTRGDCGSPA[Val1697Ile]GIIFFTTYII

ClinVar aggregate classification (germline): Benign/Likely benign. Review status: criteria provided, multiple submitters, no conflicts (2 of 4 stars). 9 submissions from 9 submitters: Benign (6); Likely benign (1). 2 of the submissions do not count toward it. Last evaluated 2026-10-01.

Conditions:
Cardiovascular phenotype. Identifiers: MedGen CN230736.
Brugada syndrome. Also called: Sudden unexpected nocturnal death syndrome; Sudden unexplained nocturnal death syndrome; Sudden Unexplained Death Syndrome; Sudden Unexplained Nocturnal Death Syndrome (SUNDS). Identifiers: Orphanet 130, MedGen C1142166, MONDO:0015263.

Allele frequency attached by ClinVar (database versions not stated): ESP Exome Variant Server 0.01007; gnomAD exomes 0.01166; ExAC 0.01232; 1000 Genomes Project 30x 0.00593; 1000 Genomes Project 0.00639; gnomAD 0.00850 and 0.00901; TOPMed 0.00855.
gnomAD v4.1: 20,255 of 1,614,082 alleles (1.3%); highest among the groups gnomAD compares: South Asian, 2.6%; 178 homozygotes.

Submissions (9):

CeGaT Center for Human Genetics Tuebingen
Classification: Benign. Last evaluated: 2026-10-01. Review status: criteria provided, single submitter. Criteria: CeGaT Center For Human Genetics Tuebingen Variant Classification Criteria Version 2. Collection method: clinical testing. Allele origin: germline. Affected: yes. Observed: 42 variant alleles.
Comment: SCN10A: BS1, BS2

Labcorp Genetics (formerly Invitae), Labcorp
Classification: Benign for Brugada syndrome. Last evaluated: 2026-02-04. Review status: criteria provided, single submitter. Criteria: Invitae Variant Classification Sherloc (09022015). Collection method: clinical testing. Allele origin: germline.

Women's Health and Genetics/Laboratory Corporation of America, LabCorp
Classification: Likely benign. Last evaluated: 2024-06-17. Review status: criteria provided, single submitter. Criteria: LabCorp Variant Classification Summary - May 2015. Collection method: clinical testing. Allele origin: germline.

Mayo Clinic Laboratories, Mayo Clinic
Classification: Benign. Last evaluated: 2019-09-11. Review status: criteria provided, single submitter. Criteria: ACMG Guidelines, 2015. Collection method: clinical testing. Allele origin: germline. Observed: 27 variant alleles.

Ambry Genetics
Classification: Benign for Cardiovascular phenotype. Last evaluated: 2018-12-27. Review status: criteria provided, single submitter. Criteria: Ambry Variant Classification Scheme 2023. Collection method: clinical testing. Allele origin: germline.

GeneDx
Classification: Benign. Last evaluated: 2016-10-04. Review status: criteria provided, single submitter. Criteria: GeneDx Variant Classification (06012015). Collection method: clinical testing. Allele origin: germline. Affected: yes.
Comment: This variant is considered likely benign or benign based on one or more of the following criteria: it is a conservative change, it occurs at a poorly conserved position in the protein, it is predicted to be benign by multiple in silico algorithms, and/or has population frequency not consistent with disease.

Breakthrough Genomics
Classification: Benign. Review status: criteria provided, single submitter. Criteria: ACMG Guidelines, 2015. Collection method: not provided. Allele origin: germline. Inheritance: Autosomal dominant inheritance. Affected: yes.

Clinical Genetics, Academic Medical Center
Classification: Benign. Review status: no assertion criteria provided. Collection method: clinical testing. Allele origin: germline. Affected: yes. Study: VKGL Data-share Consensus. Not counted in ClinVar's aggregate classification.

Joint Genome Diagnostic Labs from Nijmegen and Maastricht, Radboudumc and MUMC+
Classification: Benign. Review status: no assertion criteria provided. Collection method: clinical testing. Allele origin: germline. Affected: yes. Study: VKGL Data-share Consensus. Not counted in ClinVar's aggregate classification.

Literature cited by the submitters: PubMed 24998131 (cited by Ambry Genetics); PubMed 27711072 (cited by Ambry Genetics); PubMed 27884173 (cited by Ambry Genetics).